The following is an entry in ClinVar:

ClinVar aggregate classification (germline): Uncertain significance. Review status: criteria provided, multiple submitters, no conflicts (2 of 4 stars). 2 submissions from 2 submitters: Uncertain significance (2). Last evaluated 2026-03-02.

Conditions:
Hereditary cancer-predisposing syndrome. Also called: Neoplastic Syndromes, Hereditary; Hereditary Cancer Syndrome; Hereditary neoplastic syndrome; Tumor predisposition. Identifiers: Orphanet 140162, MedGen C0027672, MeSH D009386, MONDO:0015356.
Hereditary nonpolyposis colorectal neoplasms. Identifiers: MedGen C0009405, MeSH D003123.

Submissions (2):

Ambry Genetics
Classification: Uncertain significance for Hereditary cancer-predisposing syndrome. Last evaluated: 2026-03-02. Review status: criteria provided, single submitter. Criteria: Ambry Variant Classification Scheme 2023. Collection method: clinical testing. Allele origin: germline.
Comment: The p.Y313N variant (also known as c.937T>A), located in coding exon 9 of the PMS2 gene, results from a T to A substitution at nucleotide position 937. The tyrosine at codon 313 is replaced by asparagine, an amino acid with dissimilar properties. This amino acid position is conserved. In addition, this alteration is predicted to be deleterious by in silico analysis. Based on the available evidence, the clinical significance of this variant remains unclear.

Labcorp Genetics (formerly Invitae), Labcorp
Classification: Uncertain significance for Hereditary nonpolyposis colorectal neoplasms. Last evaluated: 2024-03-15. Review status: criteria provided, single submitter. Criteria: Invitae Variant Classification Sherloc (09022015). Collection method: clinical testing. Allele origin: germline.
Comment: This sequence change replaces tyrosine, which is neutral and polar, with asparagine, which is neutral and polar, at codon 313 of the PMS2 protein (p.Tyr313Asn). This variant is not present in population databases (gnomAD no frequency). This variant has not been reported in the literature in individuals affected with PMS2-related conditions. Advanced modeling of protein sequence and biophysical properties (such as structural, functional, and spatial information, amino acid conservation, physicochemical variation, residue mobility, and thermodynamic stability) performed at Invitae indicates that this missense variant is expected to disrupt PMS2 protein function with a positive predictive value of 80%. In summary, the available evidence is currently insufficient to determine the role of this variant in disease. Therefore, it has been classified as a Variant of Uncertain Significance.

NM_000535.7(PMS2):c.937T>A (p.Tyr313Asn)

Gene: PMS2 (PMS1 homolog 2, mismatch repair system component; minus strand). Cytogenetic location: 7p22.1.
Variant type: single nucleotide variant.
Coding change: c.937T>A on transcript NM_000535.7 (MANE Select); coding-DNA position 937, T replaced by A.
Protein change: p.Tyr313Asn; replaces tyrosine 313 with asparagine.
Molecular consequence: missense variant. On other transcripts: non-coding transcript variant (1), intron variant (1).
Genome position (GRCh38, 1-based): chr7:5,992,024, A>T on the plus strand (T>A on the coding strand, the complement: PMS2 is on the minus strand). VCF-style: chr7-5992024-A-T. GRCh37 (hg19) VCF-style: chr7-6031655-A-T.
Other names: c.364T>A, p.Tyr122Asn (NM_001322013.2, NM_001406909.1); c.937T>A, p.Tyr313Asn (NM_001322014.2, NM_001406870.1, NM_001406871.1 and 2 more transcripts); c.628T>A, p.Tyr210Asn (NM_001322015.2, NM_001406875.1, NM_001406877.1 and 6 more transcripts); c.1123T>A, p.Tyr375Asn (NM_001406866.1); c.961T>A, p.Tyr321Asn (NM_001406868.1); c.829T>A, p.Tyr277Asn (NM_001406869.1); c.739T>A, p.Tyr247Asn (NM_001406873.1); c.619T>A, p.Tyr207Asn (NM_001406883.1, NM_001322007.2, NM_001322008.2 and 4 more transcripts); and 8 more; short protein forms Y122N, Y142N, Y178N, Y191N, Y201N, Y207N, Y210N, Y247N.
Identifiers: ClinVar variation 3626898 (VCV003626898.3).